The following is an entry in ClinVar:

NM_003289.3(TPM2):c.-544G>A

Gene: TPM2 (tropomyosin 2; minus strand). Cytogenetic location: 9p13.3.
Variant type: single nucleotide variant.
Coding change: c.-544G>A on transcript NM_003289.3; 544 bases upstream of the start codon, G replaced by A.
Genome position (GRCh38, 1-based): chr9:35,690,361, C>T on the plus strand (G>A on the coding strand, the complement: TPM2 is on the minus strand). VCF-style: chr9-35690361-C-T. GRCh37 (hg19) VCF-style: chr9-35690358-C-T.
Identifiers: ClinVar variation 674229 (VCV000674229.3), dbSNP rs189353755, ClinGen allele CA192760353.

ClinVar aggregate classification (germline): Likely benign (1 of 4 stars; one submission).

Allele frequency attached by ClinVar (database versions not stated): gnomAD exomes 0.00038; gnomAD 0.00539 and 0.00587; 1000 Genomes Project 0.00419; 1000 Genomes Project 30x 0.00437; TOPMed 0.00610.

Submission:

GeneDx
Classification: Likely benign. Last evaluated: 2018-06-19. Review status: criteria provided, single submitter. Criteria: GeneDx Variant Classification (06012015). Collection method: clinical testing. Allele origin: germline. Affected: yes.
Comment: This variant is considered likely benign or benign based on one or more of the following criteria: it is a conservative change, it occurs at a poorly conserved position in the protein, it is predicted to be benign by multiple in silico algorithms, and/or has population frequency not consistent with disease.